The following is an entry in ClinVar:

ClinVar aggregate classification (germline): Benign/Likely benign. Review status: criteria provided, multiple submitters, no conflicts (2 of 4 stars). 4 submissions from 4 submitters: Benign (1); Likely benign (3). Last evaluated 2025-12-16.

Conditions:
AXIN2-related disorder.
Hereditary cancer-predisposing syndrome. Also called: Tumor predisposition; Hereditary neoplastic syndrome; Neoplastic Syndromes, Hereditary; Hereditary Cancer Syndrome. Identifiers: Orphanet 140162, MedGen C0027672, MeSH D009386, MONDO:0015356.
Oligodontia-cancer predisposition syndrome. Also called: TOOTH AGENESIS-COLORECTAL CANCER SYNDROME. Identifiers: Orphanet 300576, MedGen C1837750, MONDO:0012075, OMIM 608615. Disease mechanism: loss of function.

Allele frequency attached by ClinVar (database versions not stated): gnomAD 0.00001; gnomAD exomes 0.00001; TOPMed 0.00001; ExAC 0.00002.

Submissions (4):

PreventionGenetics, part of Exact Sciences
Classification: Likely benign for AXIN2-related condition. Last evaluated: 2025-12-16. Review status: criteria provided, single submitter. Criteria: ACMG Guidelines, 2015. Collection method: clinical testing. Allele origin: germline.
Comment: This variant is classified as likely benign based on ACMG/AMP sequence variant interpretation guidelines (Richards et al. 2015 PMID: 25741868, with internal and published modifications).

Labcorp Genetics (formerly Invitae), Labcorp
Classification: Likely benign for Oligodontia-cancer predisposition syndrome. Last evaluated: 2025-06-30. Review status: criteria provided, single submitter. Criteria: Invitae Variant Classification Sherloc (09022015). Collection method: clinical testing. Allele origin: germline.

Myriad Genetics, Inc.
Classification: Benign for Oligodontia-cancer predisposition syndrome. Last evaluated: 2024-06-25. Review status: criteria provided, single submitter. Criteria: Myriad Autosomal Dominant, Autosomal Recessive and X-Linked Classification Criteria (2023). Collection method: clinical testing. Allele origin: unknown.
Comment: This variant is considered benign. This variant is a silent/synonymous amino acid change and it is not expected to impact splicing.

Ambry Genetics
Classification: Likely benign for Hereditary cancer-predisposing syndrome. Last evaluated: 2021-05-12. Review status: criteria provided, single submitter. Criteria: Ambry Variant Classification Scheme 2023. Collection method: clinical testing. Allele origin: germline.

NM_004655.4(AXIN2):c.184T>C (p.Leu62=)

Gene: AXIN2 (axin 2; minus strand). Cytogenetic location: 17q24.1.
Variant type: single nucleotide variant.
Coding change: c.184T>C on transcript NM_004655.4 (MANE Select); coding-DNA position 184, T replaced by C.
Protein change: p.Leu62=; no amino-acid change (leucine 62 retained).
Molecular consequence: synonymous variant.
Genome position (GRCh38, 1-based): chr17:65,558,437, A>G on the plus strand (T>C on the coding strand, the complement: AXIN2 is on the minus strand). VCF-style: chr17-65558437-A-G. GRCh37 (hg19) VCF-style: chr17-63554555-A-G.
Other names: c.184T>C (LRG_296t1); c.184T>C, p.Leu62= (NM_001363813.1).
Identifiers: ClinVar variation 464576 (VCV000464576.15), dbSNP rs769943988, ClinGen allele CA8719085.